The following is an entry in ClinVar:

ClinVar aggregate classification (germline): Uncertain significance (1 of 4 stars; one submission).

Conditions:
Epilepsy, X-linked 1, with variable learning disabilities and behavior disorders. Also called: X-linked epilepsy-learning disabilities-behavior disorders syndrome. Identifiers: Orphanet 85294, MedGen C5774177, MONDO:0010339, OMIM 300491.

Submission:

Labcorp Genetics (formerly Invitae), Labcorp
Classification: Uncertain significance for Epilepsy, X-linked 1, with variable learning disabilities and behavior disorders. Last evaluated: 2022-05-12. Review status: criteria provided, single submitter. Criteria: Invitae Variant Classification Sherloc (09022015). Collection method: clinical testing. Allele origin: germline.
Comment: This sequence change falls in intron 1 of the SYN1 gene. It does not directly change the encoded amino acid sequence of the SYN1 protein. It affects a nucleotide within the consensus splice site. This variant is not present in population databases (gnomAD no frequency). This variant has not been reported in the literature in individuals affected with SYN1-related conditions. Variants that disrupt the consensus splice site are a relatively common cause of aberrant splicing (PMID: 17576681, 9536098). Algorithms developed to predict the effect of sequence changes on RNA splicing suggest that this variant may disrupt the consensus splice site. In summary, the available evidence is currently insufficient to determine the role of this variant in disease. Therefore, it has been classified as a Variant of Uncertain Significance.

Literature cited by the submitters: PubMed 17576681; PubMed 9536098.

NM_006950.3(SYN1):c.377+5G>A

Gene: SYN1 (synapsin I; minus strand). Cytogenetic location: Xp11.23.
Variant type: single nucleotide variant.
Coding change: c.377+5G>A on transcript NM_006950.3 (MANE Select); 5 bases into the intron after coding-DNA position 377, G replaced by A.
Molecular consequence: intron variant.
Genome position (GRCh38, 1-based): chrX:47,619,347, C>T on the plus strand (G>A on the coding strand, the complement: SYN1 is on the minus strand). VCF-style: chrX-47619347-C-T. GRCh37 (hg19) VCF-style: chrX-47478746-C-T.
Other names: c.377+5G>A (NM_133499.2).
Identifiers: ClinVar variation 1993271 (VCV001993271.4), dbSNP rs2519712084, ClinGen allele CA2580101018.
Genomic context (GRCh38, chrX:47,619,347, plus strand): 5'-GCTCATTCGCAGAAGAACGATCTGGGGACCCAGGCCCACGGGAGACGTCCGCGGCAGTGG[C>T]TTACCAGTCGGTGTGCGGCTCGTCGATGACCAGCAGCACCCTGGAGGCGGCTCCCCCGCG-3'